The following is an entry in ClinVar:

ClinVar aggregate classification (germline): Uncertain significance. Review status: criteria provided, multiple submitters, no conflicts (2 of 4 stars). 2 submissions from 2 submitters: Uncertain significance (2). Last evaluated 2025-05-16.

Conditions:
Inborn genetic diseases. Identifiers: MedGen C0950123, MeSH D030342.
Tay-Sachs disease (TSD). Also called: HEXA DEFICIENCY; GM2 gangliosidosis, type 1; Hexosaminidase alpha-subunit deficiency (variant B); Sphingolipidosis, Tay-Sachs; Hexosaminidase A Deficiency; HEXA Disorders. Identifiers: Orphanet 845, MedGen C0039373, MONDO:0010100, OMIM 272800.

Allele frequency attached by ClinVar (database versions not stated): gnomAD exomes below 0.00001; ExAC 0.00002; gnomAD 0.00003; TOPMed 0.00003; ESP Exome Variant Server 0.00008.

Submissions (2):

Ambry Genetics
Classification: Uncertain significance for Inborn genetic diseases. Last evaluated: 2025-05-16. Review status: criteria provided, single submitter. Criteria: Ambry Variant Classification Scheme 2023. Collection method: clinical testing. Allele origin: germline.

Labcorp Genetics (formerly Invitae), Labcorp
Classification: Uncertain significance for Tay-Sachs disease. Last evaluated: 2018-04-12. Review status: criteria provided, single submitter. Criteria: Invitae Variant Classification Sherloc (09022015). Collection method: clinical testing. Allele origin: germline.
Comment: This sequence change replaces serine with leucine at codon 59 of the HEXA protein (p.Ser59Leu). The serine residue is moderately conserved and there is a large physicochemical difference between serine and leucine. This variant is present in population databases (rs146577256, ExAC 0.02%). This variant has not been reported in the literature in individuals with HEXA-related disease. Algorithms developed to predict the effect of missense changes on protein structure and function do not agree on the potential impact of this missense change (SIFT: "Tolerated"; PolyPhen-2: "Possibly Damaging"; Align-GVGD: "Class C0"). In summary, the available evidence is currently insufficient to determine the role of this variant in disease. Therefore, it has been classified as a Variant of Uncertain Significance.

NM_000520.6(HEXA):c.176C>T (p.Ser59Leu)

Gene: HEXA (hexosaminidase subunit alpha; minus strand). Cytogenetic location: 15q23.
Variant type: single nucleotide variant.
Coding change: c.176C>T on transcript NM_000520.6 (MANE Select); coding-DNA position 176, C replaced by T.
Protein change: p.Ser59Leu; replaces serine 59 with leucine.
Molecular consequence: missense variant. On other transcripts: non-coding transcript variant (1).
Genome position (GRCh38, 1-based): chr15:72,375,797, G>A on the plus strand (C>T on the coding strand, the complement: HEXA is on the minus strand). VCF-style: chr15-72375797-G-A. GRCh37 (hg19) VCF-style: chr15-72668138-G-A.
Other names: c.176C>T (NM_000520.4); c.176C>T, p.Ser59Leu (NM_001318825.2); short protein forms S59L.
Identifiers: ClinVar variation 2050478 (VCV002050478.2), dbSNP rs146577256, ClinGen allele CA7645094.